The following is an entry in ClinVar:

ClinVar aggregate classification (germline): Uncertain significance (1 of 4 stars; one submission).

Conditions:
Ataxia-telangiectasia syndrome (AT). Also called: Ataxia-telangiectasia, complementation group D; AT, COMPLEMENTATION GROUP C; ATAXIA-TELANGIECTASIA, COMPLEMENTATION GROUP A; ATAXIA-TELANGIECTASIA, FRESNO VARIANT; Ataxia telangiectasia (A-T); Ataxia-telangiectasia. Identifiers: Orphanet 100, MedGen C0004135, MONDO:0008840, OMIM 208900.

Submission:

Labcorp Genetics (formerly Invitae), Labcorp
Classification: Uncertain significance for Ataxia-telangiectasia syndrome. Last evaluated: 2022-01-27. Review status: criteria provided, single submitter. Criteria: Invitae Variant Classification Sherloc (09022015). Collection method: clinical testing. Allele origin: germline.
Comment: Advanced modeling of protein sequence and biophysical properties (such as structural, functional, and spatial information, amino acid conservation, physicochemical variation, residue mobility, and thermodynamic stability) performed at Invitae indicates that this missense variant is not expected to disrupt ATM protein function. This variant has not been reported in the literature in individuals affected with ATM-related conditions. This variant is not present in population databases (gnomAD no frequency). This sequence change replaces glutamine, which is neutral and polar, with glutamic acid, which is acidic and polar, at codon 91 of the ATM protein (p.Gln91Glu). In summary, the available evidence is currently insufficient to determine the role of this variant in disease. Therefore, it has been classified as a Variant of Uncertain Significance.

NM_000051.4(ATM):c.271C>G (p.Gln91Glu)

Gene: ATM (ATM serine/threonine kinase; plus strand). Cytogenetic location: 11q22.3.
Variant type: single nucleotide variant.
Coding change: c.271C>G on transcript NM_000051.4 (MANE Select); coding-DNA position 271, C replaced by G.
Protein change: p.Gln91Glu; replaces glutamine 91 with glutamic acid.
Molecular consequence: missense variant.
Genome position (GRCh38, 1-based): chr11:108,229,263, C>G. VCF-style: chr11-108229263-C-G. GRCh37 (hg19) VCF-style: chr11-108099990-C-G.
Other names: c.271C>G, p.Gln91Glu (NM_001351834.2, NM_001351835.2, NM_001351836.2); short protein forms Q91E.
Identifiers: ClinVar variation 2090168 (VCV002090168.4), dbSNP rs2078888769, ClinGen allele CA382521634.